The following is an entry in ClinVar:

ClinVar aggregate classification (germline): Uncertain significance (1 of 4 stars; one submission).

Submission:

Institute for Clinical Genetics, University Hospital TU Dresden, University Hospital TU Dresden
Classification: Uncertain significance. Last evaluated: 2022-02-01. Review status: criteria provided, single submitter. Criteria: ACMG Guidelines, 2015. Collection method: clinical testing. Allele origin: germline.
Comment: PM1

NM_007194.4(CHEK2):c.1417G>T (p.Ala473Ser)

Gene: CHEK2 (checkpoint kinase 2; minus strand). Cytogenetic location: 22q12.1.
Variant type: single nucleotide variant.
Coding change: c.1417G>T on transcript NM_007194.4 (MANE Select); coding-DNA position 1417, G replaced by T.
Protein change: p.Ala473Ser; replaces alanine 473 with serine.
Molecular consequence: missense variant.
Genome position (GRCh38, 1-based): chr22:28,694,076, C>A on the plus strand (G>T on the coding strand, the complement: CHEK2 is on the minus strand). VCF-style: chr22-28694076-C-A. GRCh37 (hg19) VCF-style: chr22-29090064-C-A.
Other names: c.1546G>T, p.Ala516Ser (NM_001005735.3); c.754G>T, p.Ala252Ser (NM_001257387.3); c.1216G>T, p.Ala406Ser (NM_001349956.3); c.1330G>T, p.Ala444Ser (NM_145862.3); short protein forms A252S, A406S, A444S, A473S, A516S.
Identifiers: ClinVar variation 2575943 (VCV002575943.1), dbSNP rs2145785503, ClinGen allele CA411094298.